The following is an entry in ClinVar:

ClinVar aggregate classification (germline): Uncertain significance. Review status: criteria provided, multiple submitters, no conflicts (2 of 4 stars). 2 submissions from 2 submitters: Uncertain significance (2). Last evaluated 2026-01-23.

Conditions:
Platelet-type bleeding disorder 15 (BDPLT15). Also called: MACROTHROMBOCYTOPENIA, AUTOSOMAL DOMINANT, ACTN1-RELATED. Identifiers: Orphanet 140957, MedGen C3554663, MONDO:0014078, OMIM 615193.

Allele frequency attached by ClinVar (database versions not stated): gnomAD 0.00002; gnomAD exomes 0.00002; ExAC 0.00003; TOPMed 0.00005; ESP Exome Variant Server 0.00015.
gnomAD v4.1: 29 of 1,614,042 alleles (0.0018%); highest among the groups gnomAD compares: Admixed American, 0.0067%; no homozygotes.

Submissions (2):

Labcorp Genetics (formerly Invitae), Labcorp
Classification: Uncertain significance. Last evaluated: 2026-01-23. Review status: criteria provided, single submitter. Criteria: Invitae Variant Classification Sherloc (09022015). Collection method: clinical testing. Allele origin: germline.
Comment: This sequence change replaces arginine, which is basic and polar, with histidine, which is basic and polar, at codon 825 of the ACTN1 protein (p.Arg825His). This variant is present in population databases (rs201193955, gnomAD 0.009%). This variant has not been reported in the literature in individuals affected with ACTN1-related conditions. ClinVar contains an entry for this variant (Variation ID: 2177527). Invitae Evidence Modeling of protein sequence and biophysical properties (such as structural, functional, and spatial information, amino acid conservation, physicochemical variation, residue mobility, and thermodynamic stability) indicates that this missense variant is not expected to disrupt ACTN1 protein function with a negative predictive value of 80%. In summary, the available evidence is currently insufficient to determine the role of this variant in disease. Therefore, it has been classified as a Variant of Uncertain Significance.

Baylor Genetics
Classification: Uncertain significance for Platelet-type bleeding disorder 15. Last evaluated: 2022-08-18. Review status: criteria provided, single submitter. Criteria: ACMG Guidelines, 2015. Collection method: clinical testing. Allele origin: unknown.

NM_001130004.2(ACTN1):c.2474G>A (p.Arg825His)

Gene: ACTN1 (actinin alpha 1; minus strand). Cytogenetic location: 14q24.1.
Variant type: single nucleotide variant.
Coding change: c.2474G>A on transcript NM_001130004.2 (MANE Select); coding-DNA position 2474, G replaced by A.
Protein change: p.Arg825His; replaces arginine 825 with histidine.
Molecular consequence: missense variant.
Genome position (GRCh38, 1-based): chr14:68,877,194, C>T on the plus strand (G>A on the coding strand, the complement: ACTN1 is on the minus strand). VCF-style: chr14-68877194-C-T. GRCh37 (hg19) VCF-style: chr14-69343911-C-T.
Other names: c.2408G>A, p.Arg803His (NM_001102.4); c.2393G>A, p.Arg798His (NM_001130005.2); c.2417G>A, p.Arg806His (NM_001411035.1); c.2213G>A, p.Arg738His (NM_001411036.1); short protein forms R798H, R806H, R738H, R825H, R803H.
Identifiers: ClinVar variation 2177527 (VCV002177527.5), dbSNP rs201193955, ClinGen allele CA7241982.